The following is an entry in ClinVar:

ClinVar aggregate classification (germline): Affects (0 of 4 stars; one submission).

Conditions:
altered red cell phenotype.

gnomAD v4.1: 9 of 1,614,116 alleles (0.00056%); highest among the groups gnomAD compares: Non-Finnish European, 0.00076%; no homozygotes.

Submission:

Australian Red Cross Blood Service
Classification: Affects for altered red cell phenotype. Review status: no assertion criteria provided. Collection method: research. Allele origin: inherited. Inheritance: Codominant.

NM_015865.7(SLC14A1):c.809C>A (p.Ala270Glu)

Gene: SLC14A1 (solute carrier family 14 member 1 (Kidd blood group); plus strand). Cytogenetic location: 18q12.3.
Variant type: single nucleotide variant.
Coding change: c.809C>A on transcript NM_015865.7 (MANE Select); coding-DNA position 809, C replaced by A.
Protein change: p.Ala270Glu; replaces alanine 270 with glutamic acid.
Molecular consequence: missense variant.
Genome position (GRCh38, 1-based): chr18:45,739,308, C>A. VCF-style: chr18-45739308-C-A. GRCh37 (hg19) VCF-style: chr18-43319273-C-A.
Other names: c.977C>A, p.Ala326Glu (NM_001128588.4, NM_001146037.1); c.809C>A, p.Ala270Glu (NM_001146036.3); c.494C>A, p.Ala165Glu (NM_001308278.2); c.413C>A, p.Ala138Glu (NM_001308279.2); short protein forms A138E, A165E, A270E, A326E.
Identifiers: ClinVar variation 1308691 (VCV001308691.2), dbSNP rs777313922, ClinGen allele CA402328744.
Genomic context (GRCh38, chr18:45,739,308, plus strand): 5'-TACTCTCCTCCCCACTCATGTGCCTGCATGCTGCCATAGGATCATTGCTGGGCATAGCAG[C>A]GGGTGAGCACAAGAGCCCTTACCAAATATTGAGCACCTCCTCCATCCCATGCATTGCCTC-3'
Protein context (NP_056949.4, residues 260-280): AAIGSLLGIA[Ala270Glu]GLSLSAPFED